The following is an entry in ClinVar:

ClinVar aggregate classification (germline): Pathogenic. Review status: reviewed by expert panel (3 of 4 stars). 6 submissions from 6 submitters: Pathogenic (1). 5 of the submissions do not count toward it. Last evaluated 2016-10-18.

Conditions:
Breast-ovarian cancer, familial, susceptibility to, 2 (BROVCA2). Also called: BRCA2 Hereditary Breast and Ovarian Cancer. Identifiers: Orphanet 145, MedGen C2675520, MONDO:0012933, OMIM 612555. Disease mechanism: loss of function.
Hereditary cancer-predisposing syndrome. Also called: Hereditary neoplastic syndrome; Neoplastic Syndromes, Hereditary; Tumor predisposition; Hereditary Cancer Syndrome. Identifiers: Orphanet 140162, MedGen C0027672, MeSH D009386, MONDO:0015356.
Hereditary breast ovarian cancer syndrome. Also called: BRCA1- and BRCA2-Associated Hereditary Breast and Ovarian Cancer; Hereditary breast and ovarian cancer; Breast and ovarian cancer; Hereditary breast and/or ovarian cancer syndrome; Hereditary breast and ovarian cancer syndrome; Hereditary breast and ovarian cancer syndrome (HBOC). Identifiers: Orphanet 145, MedGen C0677776, MeSH D061325, MONDO:0003582. Disease mechanism: loss of function.
Familial cancer of breast. Also called: hereditary breast carcinoma; BREAST CANCER, FAMILIAL; Hereditary breast cancer. Identifiers: Orphanet 227535, MedGen C0346153, MONDO:0016419, OMIM 114480. Disease mechanism: loss of function.

Submissions (6):

Evidence-based Network for the Interpretation of Germline Mutant Alleles (ENIGMA)
Classification: Pathogenic for Breast-ovarian cancer, familial, susceptibility to, 2. Last evaluated: 2016-10-18. Review status: reviewed by expert panel. Criteria: ENIGMA BRCA1/2 Classification Criteria (2015). Collection method: curation. Allele origin: germline.
Comment: Variant allele predicted to encode a truncated non-functional protein.

Labcorp Genetics (formerly Invitae), Labcorp
Classification: Pathogenic for Hereditary breast ovarian cancer syndrome. Last evaluated: 2025-04-08. Review status: criteria provided, single submitter. Criteria: Invitae Variant Classification Sherloc (09022015). Collection method: clinical testing. Allele origin: germline. Not counted in ClinVar's aggregate classification.
Comment: This sequence change creates a premature translational stop signal (p.His2548Leufs*5) in the BRCA2 gene. It is expected to result in an absent or disrupted protein product. Loss-of-function variants in BRCA2 are known to be pathogenic (PMID: 20104584). This variant is not present in population databases (gnomAD no frequency). This premature translational stop signal has been observed in individual(s) with breast cancer (PMID: 30199306). ClinVar contains an entry for this variant (Variation ID: 267028). For these reasons, this variant has been classified as Pathogenic.

Ambry Genetics
Classification: Pathogenic for Hereditary cancer-predisposing syndrome. Last evaluated: 2024-07-12. Review status: criteria provided, single submitter. Criteria: Ambry Variant Classification Scheme 2023. Collection method: clinical testing. Allele origin: germline. Not counted in ClinVar's aggregate classification.
Comment: The c.7643_7644delAT pathogenic mutation, located in coding exon 15 of the BRCA2 gene, results from a deletion of two nucleotides at nucleotide positions 7643 to 7644, causing a translational frameshift with a predicted alternate stop codon (p.H2548Lfs*5). This variant is considered to be rare based on population cohorts in the Genome Aggregation Database (gnomAD). In addition to the clinical data presented in the literature, this alteration is expected to result in loss of function by premature protein truncation or nonsense-mediated mRNA decay. As such, this alteration is interpreted as a disease-causing mutation.

Baylor Genetics
Classification: Pathogenic for Familial cancer of breast. Last evaluated: 2023-12-14. Review status: criteria provided, single submitter. Criteria: ACMG Guidelines, 2015. Collection method: clinical testing. Allele origin: unknown. Not counted in ClinVar's aggregate classification.

GeneDx
Classification: Pathogenic. Last evaluated: 2022-08-29. Review status: criteria provided, single submitter. Criteria: GeneDx Variant Classification Process June 2021. Collection method: clinical testing. Allele origin: germline. Affected: yes. Not counted in ClinVar's aggregate classification.
Comment: Frameshift variant predicted to result in protein truncation or nonsense mediated decay in a gene for which loss of function is a known mechanism of disease; Not observed at significant frequency in large population cohorts (gnomAD); Truncating variants in this gene are considered pathogenic by a well-established clinical consortium and/or database; Also known as 7871_7872delAT, 7871delAT, and c.7643delAT; Observed in an individual with breast cancer (Abulkhair et al., 2018); This variant is associated with the following publications: (PMID: 30199306)

Consortium of Investigators of Modifiers of BRCA1/2 (CIMBA), c/o University of Cambridge
Classification: Pathogenic for Breast-ovarian cancer, familial, susceptibility to, 2. Last evaluated: 2015-10-02. Review status: criteria provided, single submitter. Criteria: CIMBA Mutation Classification guidelines May 2016. Collection method: clinical testing. Allele origin: germline. Not counted in ClinVar's aggregate classification.

Literature cited by the submitters: PubMed 20104584 (cited by Labcorp Genetics (formerly Invitae), Labcorp); PubMed 30199306 (cited by Labcorp Genetics (formerly Invitae), Labcorp and Ambry Genetics); PubMed 29446198 (cited by Ambry Genetics); PubMed 31209999 (cited by Ambry Genetics).

NM_000059.4(BRCA2):c.7643_7644del (p.His2548fs)

Gene: BRCA2 (BRCA2 DNA repair associated; plus strand). Cytogenetic location: 13q13.1.
Variant type: Deletion.
Coding change: c.7643_7644del on transcript NM_000059.4 (MANE Select); coding-DNA positions 7643 to 7644, 2 bases deleted (AT; older notation c.7643_7644delAT).
Protein change: p.His2548fs; shifts the reading frame from histidine 2548.
Molecular consequence: frameshift variant.
Genome position (GRCh38, 1-based): chr13:32,357,767-32,357,768, AT deleted. VCF-style (leftmost placement, unchanged base first): chr13-32357766-CAT-C. GRCh37 (hg19) VCF-style: chr13-32931903-CAT-C.
Other names: 7871delAT; c.7643_7644delAT (NM_000059.3).
Identifiers: ClinVar variation 267028 (VCV000267028.19), dbSNP rs886040724, ClinGen allele CA10589444.